The following is an entry in ClinVar:

NM_014363.6(SACS):c.11540T>C (p.Ile3847Thr)

Gene: SACS (sacsin molecular chaperone; minus strand). Cytogenetic location: 13q12.12.
Variant type: single nucleotide variant.
Coding change: c.11540T>C on transcript NM_014363.6 (MANE Select); coding-DNA position 11540, T replaced by C.
Protein change: p.Ile3847Thr; replaces isoleucine 3847 with threonine.
Molecular consequence: missense variant.
Genome position (GRCh38, 1-based): chr13:23,332,336, A>G on the plus strand (T>C on the coding strand, the complement: SACS is on the minus strand). VCF-style: chr13-23332336-A-G. GRCh37 (hg19) VCF-style: chr13-23906475-A-G.
Other names: c.11099T>C, p.Ile3700Thr (NM_001278055.2); short protein forms I3847T, I3700T.
Identifiers: ClinVar variation 2183654 (VCV002183654.1), dbSNP rs1330949976, ClinGen allele CA387509753.
Genomic context (GRCh38, chr13:23,332,336, plus strand): 5'-TTGCCCTCAGAATTTTTAAATATGCGGCTCAACACTTCAACATATTGCTTAGTTGAAATA[A>G]TATCTTCAGTACCTAAGTGTTTGAACAACTGGTGAAATGTGCCAAGTTCTAAAGGTAGCT-3'
Protein context (NP_055178.3, residues 3837-3857): QLFKHLGTED[Ile3847Thr]ISTKQYVEVL

ClinVar aggregate classification (germline): Uncertain significance (1 of 4 stars; one submission).

Conditions:
Spastic paraplegia. Identifiers: MedGen C0037772, HP:0001258.

Allele frequency attached by ClinVar (database versions not stated): gnomAD exomes below 0.00001; gnomAD 0.00001; TOPMed 0.00001.
gnomAD v4.1: 3 of 1,613,934 alleles (0.00019%); highest among the groups gnomAD compares: African/African-American, 0.0013%; no homozygotes.

Submission:

Labcorp Genetics (formerly Invitae), Labcorp
Classification: Uncertain significance for Spastic paraplegia. Last evaluated: 2022-03-04. Review status: criteria provided, single submitter. Criteria: Invitae Variant Classification Sherloc (09022015). Collection method: clinical testing. Allele origin: germline.
Comment: This sequence change replaces isoleucine, which is neutral and non-polar, with threonine, which is neutral and polar, at codon 3847 of the SACS protein (p.Ile3847Thr). This variant is not present in population databases (gnomAD no frequency). This variant has not been reported in the literature in individuals affected with SACS-related conditions. Advanced modeling of protein sequence and biophysical properties (such as structural, functional, and spatial information, amino acid conservation, physicochemical variation, residue mobility, and thermodynamic stability) performed at Invitae indicates that this missense variant is not expected to disrupt SACS protein function. In summary, the available evidence is currently insufficient to determine the role of this variant in disease. Therefore, it has been classified as a Variant of Uncertain Significance.